The following is an entry in ClinVar:

NM_001042492.3(NF1):c.2862_2867del (p.Asp955_Thr956del)

Gene: NF1 (neurofibromin 1; plus strand). Cytogenetic location: 17q11.2.
Variant type: Deletion.
Coding change: c.2862_2867del on transcript NM_001042492.3 (MANE Select); coding-DNA positions 2862 to 2867, 6 bases deleted (TGATAC; older notation c.2862_2867delTGATAC).
Protein change: p.Asp955_Thr956del.
Molecular consequence: inframe deletion. On other transcripts: inframe indel (1).
Genome position (GRCh38, 1-based): chr17:31,229,846-31,229,851, TGATAC deleted; deleting any 6 consecutive bases within chr17:31,229,844-31,229,851 gives the same sequence; the c. name uses the placement nearest the transcript's 3' end. VCF-style (leftmost placement, unchanged base first): chr17-31229843-GACTGAT-G. GRCh37 (hg19) VCF-style: chr17-29556861-GACTGAT-G.
Other names: c.2862_2867delTGATAC, p.Asp955_Thr956del (NM_000267.4).
Identifiers: ClinVar variation 2019489 (VCV002019489.4), dbSNP rs2508196377, ClinGen allele CA2580093410.

ClinVar aggregate classification (germline): Pathogenic (1 of 4 stars; one submission).

Conditions:
Neurofibromatosis, type 1 (NF1). Also called: NEUROFIBROMATOSIS, TYPE I, SOMATIC; Neurofibromatosis, type I; Peripheral type neurofibromatosis; VON RECKLINGHAUSEN DISEASE. Identifiers: Orphanet 636, MedGen C0027831, MONDO:0018975, OMIM 162200. Disease mechanism: loss of function.

Submission:

Labcorp Genetics (formerly Invitae), Labcorp
Classification: Pathogenic for Neurofibromatosis, type 1. Last evaluated: 2023-09-26. Review status: criteria provided, single submitter. Criteria: Invitae Variant Classification Sherloc (09022015). Collection method: clinical testing. Allele origin: germline.
Comment: This variant, c.2862_2867del, results in the deletion of 2 amino acid(s) of the NF1 protein (p.Asp955_Thr956del), but otherwise preserves the integrity of the reading frame. This variant is not present in population databases (gnomAD no frequency). This variant has been observed in individual(s) with clinical features of neurofibromatosis type 1 (Invitae). In at least one individual the variant was observed to be de novo. ClinVar contains an entry for this variant (Variation ID: 2019489). Algorithms developed to predict the effect of sequence changes on RNA splicing suggest that this variant may disrupt the consensus splice site. For these reasons, this variant has been classified as Pathogenic.